The following is an entry in ClinVar:

NM_001017420.3(ESCO2):c.1735C>T (p.Pro579Ser)

Gene: ESCO2 (establishment of sister chromatid cohesion N-acetyltransferase 2; plus strand). Cytogenetic location: 8p21.1.
Variant type: single nucleotide variant.
Coding change: c.1735C>T on transcript NM_001017420.3 (MANE Select); coding-DNA position 1735, C replaced by T.
Protein change: p.Pro579Ser; replaces proline 579 with serine.
Molecular consequence: missense variant.
Genome position (GRCh38, 1-based): chr8:27,803,367, C>T. VCF-style: chr8-27803367-C-T. GRCh37 (hg19) VCF-style: chr8-27660884-C-T.
Other names: short protein forms P579S.
Identifiers: ClinVar variation 1996145 (VCV001996145.4), dbSNP rs115144373, ClinGen allele CA370827964.
Genomic context (GRCh38, chr8:27,803,367, plus strand): 5'-AATTGCTTCATGTTTGGCTGTTTTCTCAGCACTGATGAAATAGCATTTTCTGACCCAACA[C>T]CAGATGGCAAGTTATTTGCAACCAAGTACTGCAACACCCCTAATTTCCTCGTATATAATT-3'
Protein context (NP_001017420.1, residues 569-589): TDEIAFSDPT[Pro579Ser]DGKLFATKYC

ClinVar aggregate classification (germline): Uncertain significance (1 of 4 stars; one submission).

Submission:

Labcorp Genetics (formerly Invitae), Labcorp
Classification: Uncertain significance. Last evaluated: 2023-07-10. Review status: criteria provided, single submitter. Criteria: Invitae Variant Classification Sherloc (09022015). Collection method: clinical testing. Allele origin: germline.
Comment: In summary, the available evidence is currently insufficient to determine the role of this variant in disease. Therefore, it has been classified as a Variant of Uncertain Significance. An algorithm developed to predict the effect of missense changes on protein structure and function (PolyPhen-2) suggests that this variant is likely to be disruptive. ClinVar contains an entry for this variant (Variation ID: 1996145). This variant has not been reported in the literature in individuals affected with ESCO2-related conditions. This variant is not present in population databases (gnomAD no frequency). This sequence change replaces proline, which is neutral and non-polar, with serine, which is neutral and polar, at codon 579 of the ESCO2 protein (p.Pro579Ser).